The following is an entry in ClinVar:

NM_001009944.3(PKD1):c.3418G>C (p.Ala1140Pro)

Gene: PKD1 (polycystin 1, transient receptor potential channel interacting; minus strand). Cytogenetic location: 16p13.3.
Variant type: single nucleotide variant.
Coding change: c.3418G>C on transcript NM_001009944.3 (MANE Select); coding-DNA position 3418, G replaced by C.
Protein change: p.Ala1140Pro; replaces alanine 1140 with proline.
Molecular consequence: missense variant.
Genome position (GRCh38, 1-based): chr16:2,111,749, C>G on the plus strand (G>C on the coding strand, the complement: PKD1 is on the minus strand). VCF-style: chr16-2111749-C-G. GRCh37 (hg19) VCF-style: chr16-2161750-C-G.
Other names: p.Ala1140Pro; c.3418G>C, p.Ala1140Pro (NM_000296.4); short protein forms A1140P.
Identifiers: ClinVar variation 3250354 (VCV003250354.3), dbSNP rs1229555987.

ClinVar aggregate classification (germline): Uncertain significance. Review status: criteria provided, single submitter (1 of 4 stars). 2 submissions from 2 submitters: Uncertain significance (1). 1 of the submissions does not count toward it.

Conditions:
Polycystic kidney disease, adult type (PKD1). Also called: Polycystic Kidney Disease 1, Autosomal Dominant; Polycystic kidney disease 1; Polycystic kidney disease 1, severe; POLYCYSTIC KIDNEY DISEASE 1 WITH OR WITHOUT POLYCYSTIC LIVER DISEASE; POLYCYSTIC KIDNEY DISEASE, ADULT, TYPE I; Polycystic Kidney, Autosomal Dominant. Identifiers: MedGen C3149841, MONDO:0008263, OMIM 173900.

Submissions (2):

Foundation for Research in Genetics and Endocrinology, FRIGE's Institute of Human Genetics
Classification: Uncertain significance for Polycystic kidney disease, adult type. Review status: criteria provided, single submitter. Criteria: ACMG Guidelines, 2015. Collection method: clinical testing. Allele origin: germline. Inheritance: Autosomal dominant inheritance. Affected: yes. Observed: 1 heterozygote.
Comment: A heterozygous missense variant in exon 15 of the PKD1 gene that results in the amino acid substitution of Proline for Alanine at codon 1140 was detected. The observed variant c.3418G>C (p.Ala1140Pro) has not been reported in the 1000 genomes and gnomAD databases. The in silico prediction of the variant is damaging by PolyPhen-2 (HumDiv), SIFT, CADD and MutationTaster2. The reference codon is conserved across species. In summary, the variant meets our criteria to be classified as variant of uncertain significance.

Genetics laboratory, Institute of Kidney Diseases & Research Centre Dr. H.L. Trivedi Institute Of Transplantation Sciences
Classification: Uncertain significance for Polycystic kidney disease, adult type. Last evaluated: 2024-06-12. Review status: no assertion criteria provided. Collection method: clinical testing. Allele origin: germline. Inheritance: Autosomal dominant inheritance. Affected: yes. Not counted in ClinVar's aggregate classification.
Comment: A heterozygous missense variant c.3418G>C in PKD1 gene (chr16:2161750; Depth:127x) was detected. The variant replaces alanine with proline at the 1140th amino acid position. This variant is not observed in 1000 genomes, topmed and gnomAD database. In silico predictions suggests the variant to be damaging by MutationTaster, SIFT, CADD and REVEL. Based on the aforementioned evidence, the variant is classified as a variant of uncertain significance based on the ACMG-AMP classification system.